The following is an entry in ClinVar:

NM_005026.5(PIK3CD):c.718A>T (p.Thr240Ser)

Gene: PIK3CD (phosphatidylinositol-4,5-bisphosphate 3-kinase catalytic subunit delta; plus strand). Cytogenetic location: 1p36.22.
Variant type: single nucleotide variant.
Coding change: c.718A>T on transcript NM_005026.5 (MANE Select); coding-DNA position 718, A replaced by T.
Protein change: p.Thr240Ser; replaces threonine 240 with serine.
Molecular consequence: missense variant.
Genome position (GRCh38, 1-based): chr1:9,716,557, A>T. VCF-style: chr1-9716557-A-T. GRCh37 (hg19) VCF-style: chr1-9776615-A-T.
Other names: c.718A>T, p.Thr240Ser (NM_001350234.2, NM_001350235.1); short protein forms T240S.
Identifiers: ClinVar variation 1386421 (VCV001386421.8), dbSNP rs1647485551, ClinGen allele CA338301232.
Genomic context (GRCh38, chr1:9,716,557, plus strand): 5'-GCCCTGCGGAAGAAGGCCACAGTGTTCCGGCAGCCGCTGGTGGAGCAGCCGGAAGACTAC[A>T]CGCTGCAGGTGAACGGCAGGCATGAGTACCTGTATGGCAGCTACCCGCTCTGCCAGTTCC-3'
Protein context (NP_005017.3, residues 230-250): QPLVEQPEDY[Thr240Ser]LQVNGRHEYL

ClinVar aggregate classification (germline): Uncertain significance (1 of 4 stars; one submission).

Conditions:
Immunodeficiency 14 (IMD14A). Also called: ACTIVATED PI3K-DELTA SYNDROME 1; Activated PI3K Delta Syndrome Type 1 (APDS1); p110-DELTA-ACTIVATING MUTATION CAUSING SENESCENT T CELLS, LYMPHADENOPATHY, AND IMMUNODEFICIENCY; IMMUNODEFICIENCY 14A WITH LYMPHOPROLIFERATION, AUTOSOMAL DOMINANT. Identifiers: Orphanet 397596, Orphanet 693661, MedGen C5907821, MONDO:0014222, OMIM 615513.

Allele frequency attached by ClinVar (database versions not stated): TOPMed below 0.00001.

Submission:

Labcorp Genetics (formerly Invitae), Labcorp
Classification: Uncertain significance for Activated PI3K-delta syndrome. Last evaluated: 2020-11-03. Review status: criteria provided, single submitter. Criteria: Invitae Variant Classification Sherloc (09022015). Collection method: clinical testing. Allele origin: germline.
Comment: Algorithms developed to predict the effect of missense changes on protein structure and function (SIFT, PolyPhen-2, Align-GVGD) all suggest that this variant is likely to be tolerated, but these predictions have not been confirmed by published functional studies and their clinical significance is uncertain. In summary, the available evidence is currently insufficient to determine the role of this variant in disease. Therefore, it has been classified as a Variant of Uncertain Significance. This variant has not been reported in the literature in individuals with PIK3CD-related conditions. This sequence change replaces threonine with serine at codon 240 of the PIK3CD protein (p.Thr240Ser). The threonine residue is moderately conserved and there is a small physicochemical difference between threonine and serine. This variant is not present in population databases (ExAC no frequency).